The following is an entry in ClinVar:

NM_004055.5(CAPN5):c.1740+6C>A

Gene: CAPN5 (calpain 5; plus strand). Cytogenetic location: 11q13.5.
Variant type: single nucleotide variant.
Coding change: c.1740+6C>A on transcript NM_004055.5 (MANE Select); 6 bases into the intron after coding-DNA position 1740, C replaced by A.
Molecular consequence: intron variant.
Genome position (GRCh38, 1-based): chr11:77,122,718, C>A. VCF-style: chr11-77122718-C-A. GRCh37 (hg19) VCF-style: chr11-76833764-C-A.
Other names: c.1740+6C>A (NM_001425322.1); c.1860+6C>A (NM_001425321.1); c.1608+6C>A (NM_001425323.1).
Identifiers: ClinVar variation 4776869 (VCV004776869.1).
Genomic context (GRCh38, chr11:77,122,718, plus strand): 5'-CAATGTGAAAGGCATCTTCTACCGCAAGAAGCTGAGCCAGCCCATCACTGTACAGGTGAG[C>A]CCCCTGGTCCAGAGGCCACCTCCTGGGCTCCTAGCCTGAGGCTTCCCCACTCAGGGGGAC-3'

ClinVar aggregate classification (germline): Uncertain significance (1 of 4 stars; one submission).

gnomAD v4.1: 7 of 1,612,434 alleles (0.00043%); highest among the groups gnomAD compares: Non-Finnish European, 0.00059%; no homozygotes.

Submission:

Labcorp Genetics (formerly Invitae), Labcorp
Classification: Uncertain significance. Last evaluated: 2025-03-01. Review status: criteria provided, single submitter. Criteria: Invitae Variant Classification Sherloc (09022015). Collection method: clinical testing. Allele origin: germline.
Comment: This sequence change falls in intron 12 of the CAPN5 gene. It does not directly change the encoded amino acid sequence of the CAPN5 protein. It affects a nucleotide within the consensus splice site. The frequency data for this variant in the population databases is considered unreliable, as metrics indicate poor data quality at this position in the gnomAD database. This variant has not been reported in the literature in individuals affected with CAPN5-related conditions. Variants that disrupt the consensus splice site are a relatively common cause of aberrant splicing (PMID: 17576681, 9536098). Algorithms developed to predict the effect of sequence changes on RNA splicing suggest that this variant is not likely to affect RNA splicing. In summary, the available evidence is currently insufficient to determine the role of this variant in disease. Therefore, it has been classified as a Variant of Uncertain Significance.

Literature cited by the submitters: PubMed 17576681; PubMed 9536098.